The following is an entry in ClinVar:

ClinVar aggregate classification (germline): Uncertain significance (1 of 4 stars; one submission).

Conditions:
Multiple congenital exostosis (EXT). Also called: Multiple osteochondromas; Multiple exostoses; Hereditary multiple osteochondromas; Hereditary multiple exostoses; Hereditary multiple exostosis; MULTIPLE CARTILAGINOUS EXOSTOSES. Identifiers: Orphanet 321, MedGen C0015306, MONDO:0005508, HP:0002762.

gnomAD v4.1: 4 of 1,614,212 alleles (0.00025%); highest among the groups gnomAD compares: Non-Finnish European, 0.00034%; no homozygotes.

Submission:

Labcorp Genetics (formerly Invitae), Labcorp
Classification: Uncertain significance for Multiple congenital exostosis. Last evaluated: 2024-04-01. Review status: criteria provided, single submitter. Criteria: Invitae Variant Classification Sherloc (09022015). Collection method: clinical testing. Allele origin: germline.
Comment: This sequence change replaces glutamic acid, which is acidic and polar, with glutamine, which is neutral and polar, at codon 290 of the EXT1 protein (p.Glu290Gln). This variant is present in population databases (rs759708614, gnomAD 0.0009%). This variant has not been reported in the literature in individuals affected with EXT1-related conditions. Advanced modeling of protein sequence and biophysical properties (such as structural, functional, and spatial information, amino acid conservation, physicochemical variation, residue mobility, and thermodynamic stability) has been performed at Invitae for this missense variant, however the output from this modeling did not meet the statistical confidence thresholds required to predict the impact of this variant on EXT1 protein function. In summary, the available evidence is currently insufficient to determine the role of this variant in disease. Therefore, it has been classified as a Variant of Uncertain Significance.

NM_000127.3(EXT1):c.868G>C (p.Glu290Gln)

Gene: EXT1 (exostosin glycosyltransferase 1; minus strand). Cytogenetic location: 8q24.11.
Variant type: single nucleotide variant.
Coding change: c.868G>C on transcript NM_000127.3 (MANE Select); coding-DNA position 868, G replaced by C.
Protein change: p.Glu290Gln; replaces glutamic acid 290 with glutamine.
Molecular consequence: missense variant.
Genome position (GRCh38, 1-based): chr8:118,110,179, C>G on the plus strand (G>C on the coding strand, the complement: EXT1 is on the minus strand). VCF-style: chr8-118110179-C-G. GRCh37 (hg19) VCF-style: chr8-119122418-C-G.
Other names: short protein forms E290Q.
Identifiers: ClinVar variation 3606190 (VCV003606190.2).